The following is an entry in ClinVar:

NM_006904.7(PRKDC):c.1525C>A (p.Arg509Ser)

Gene: PRKDC (protein kinase, DNA-activated, catalytic subunit; minus strand). Cytogenetic location: 8q11.21.
Variant type: single nucleotide variant.
Coding change: c.1525C>A on transcript NM_006904.7 (MANE Select); coding-DNA position 1525, C replaced by A.
Protein change: p.Arg509Ser; replaces arginine 509 with serine.
Molecular consequence: missense variant.
Genome position (GRCh38, 1-based): chr8:47,934,063, G>T on the plus strand (C>A on the coding strand, the complement: PRKDC is on the minus strand). VCF-style: chr8-47934063-G-T. GRCh37 (hg19) VCF-style: chr8-48846623-G-T.
Other names: c.1525C>A, p.Arg509Ser (NM_001081640.2); short protein forms R509S.
Identifiers: ClinVar variation 1774513 (VCV001774513.2), dbSNP rs147314874, ClinGen allele CA371165458.

ClinVar aggregate classification (germline): Uncertain significance (1 of 4 stars; one submission).

Submission:

Ambry Genetics
Classification: Uncertain significance. Last evaluated: 2021-12-13. Review status: criteria provided, single submitter. Criteria: Ambry Variant Classification Scheme 2023. Collection method: clinical testing. Allele origin: germline.
Comment: The p.R509S variant (also known as c.1525C>A), located in coding exon 15 of the PRKDC gene, results from a C to A substitution at nucleotide position 1525. The arginine at codon 509 is replaced by serine, an amino acid with dissimilar properties. This amino acid position is conserved. In addition, this alteration is predicted to be tolerated by in silico analysis. Since supporting evidence is limited at this time, the clinical significance of this alteration remains unclear.